The following is an entry in ClinVar:

NM_002878.4(RAD51D):c.346-3C>A

Genes: RAD51D (RAD51 paralog D; minus strand), RAD51L3-RFFL (RAD51L3-RFFL readthrough; minus strand). Cytogenetic location: 17q12.
Variant type: single nucleotide variant.
Coding change: c.346-3C>A on transcript NM_002878.4 (MANE Select); 3 bases into the intron before coding-DNA position 346, C replaced by A.
Molecular consequence: intron variant.
Genome position (GRCh38, 1-based): chr17:35,107,125, G>T on the plus strand (C>A on the coding strand, the complement: RAD51D is on the minus strand). VCF-style: chr17-35107125-G-T. GRCh37 (hg19) VCF-style: chr17-33434144-G-T.
Other names: c.145-644C>A (NM_133629.3); c.406-3C>A (NM_001142571.2).
Identifiers: ClinVar variation 410570 (VCV000410570.7), dbSNP rs758583343, ClinGen allele CA16615334.

ClinVar aggregate classification (germline): Uncertain significance (1 of 4 stars; one submission).

Conditions:
Breast-ovarian cancer, familial, susceptibility to, 4. Identifiers: Orphanet 145, MedGen C3280345, MONDO:0013669, OMIM 614291.

Submission:

Labcorp Genetics (formerly Invitae), Labcorp
Classification: Uncertain significance for Breast-ovarian cancer, familial, susceptibility to, 4. Last evaluated: 2019-10-08. Review status: criteria provided, single submitter. Criteria: Invitae Variant Classification Sherloc (09022015). Collection method: clinical testing. Allele origin: germline.
Comment: This sequence change falls in intron 4 of the RAD51D gene. It does not directly change the encoded amino acid sequence of the RAD51D protein. This variant is not present in population databases (ExAC no frequency) and has not been reported in the literature in individuals with a RAD51D-related disease. Algorithms developed to predict the effect of sequence changes on RNA splicing suggest that this variant may alter RNA splicing, but this prediction has not been confirmed by published transcriptional studies. In summary, this is a novel intronic change with uncertain impact on splicing. It has been classified as a Variant of Uncertain Significance.